The following is an entry in ClinVar:

NM_020207.7(ERCC6L2):c.1006C>T (p.Pro336Ser)

Gene: ERCC6L2 (ERCC excision repair 6 like 2; plus strand). Cytogenetic location: 9q22.32.
Variant type: single nucleotide variant.
Coding change: c.1006C>T on transcript NM_020207.7 (MANE Select); coding-DNA position 1006, C replaced by T.
Protein change: p.Pro336Ser; replaces proline 336 with serine.
Molecular consequence: missense variant. On other transcripts: non-coding transcript variant (1).
Genome position (GRCh38, 1-based): chr9:95,916,282, C>T. VCF-style: chr9-95916282-C-T. GRCh37 (hg19) VCF-style: chr9-98678564-C-T.
Other names: c.1006C>T, p.Pro336Ser (NM_001010895.4, NM_001375291.1, NM_001375292.1 and 2 more transcripts); short protein forms P336S.
Identifiers: ClinVar variation 3845911 (VCV003845911.1).

ClinVar aggregate classification (germline): Uncertain significance (1 of 4 stars; one submission).

Conditions:
Inborn genetic diseases. Identifiers: MedGen C0950123, MeSH D030342.

Submission:

Ambry Genetics
Classification: Uncertain significance for Inborn genetic diseases. Last evaluated: 2025-02-02. Review status: criteria provided, single submitter. Criteria: Ambry Variant Classification Scheme 2023. Collection method: clinical testing. Allele origin: germline.
Comment: The p.P336S variant (also known as c.1006C>T), located in coding exon 6 of the ERCC6L2 gene, results from a C to T substitution at nucleotide position 1006. The proline at codon 336 is replaced by serine, an amino acid with similar properties. This amino acid position is conserved. In addition, the in silico prediction for this alteration is inconclusive. Based on the available evidence, the clinical significance of this variant remains unclear.